The following is an entry in ClinVar:

NM_025265.4(TSEN2):c.1369C>T (p.Arg457Ter)

Gene: TSEN2 (tRNA splicing endonuclease subunit 2; plus strand). Cytogenetic location: 3p25.2.
Variant type: single nucleotide variant.
Coding change: c.1369C>T on transcript NM_025265.4 (MANE Select); coding-DNA position 1369, C replaced by T.
Protein change: p.Arg457Ter; replaces arginine 457 with a stop codon.
Molecular consequence: nonsense. On other transcripts: non-coding transcript variant (1), intron variant (1).
Genome position (GRCh38, 1-based): chr3:12,532,692, C>T. VCF-style: chr3-12532692-C-T. GRCh37 (hg19) VCF-style: chr3-12574191-C-T.
Other names: c.1369C>T, p.Arg457Ter (NM_001145392.2, NM_001321277.2); c.1291C>T, p.Arg431Ter (NM_001145393.3, NM_001321279.2); c.1192C>T, p.Arg398Ter (NM_001145394.2); c.1338+1033C>T (NM_001321278.2); short protein forms R398*, R431*, R457*.
Identifiers: ClinVar variation 1331377 (VCV001331377.1), dbSNP rs139032110, ClinGen allele CA2258847.
Genomic context (GRCh38, chr3:12,532,692, plus strand): 5'-AGAAATGGTCTTTTTTTTTATTGGTTGTAGGAGGTGATTCTGAGTCGATGGGTTTCTTCA[C>T]GAGAGAGGAGTGACCAAGACGATCTTTAACAATTCAACCTCAAATTTCTAATTTCACCAA-3'

ClinVar aggregate classification (germline): Uncertain significance (1 of 4 stars; one submission).

Allele frequency attached by ClinVar (database versions not stated): gnomAD 0.00001 and 0.00002; gnomAD exomes 0.00004 and 0.00005; ExAC 0.00006; ESP Exome Variant Server 0.00008.
gnomAD v4.1: 62 of 1,613,828 alleles (0.0038%); highest among the groups gnomAD compares: Middle Eastern, 0.033%; no homozygotes.

Submission:

Women's Health and Genetics/Laboratory Corporation of America, LabCorp
Classification: Uncertain significance. Last evaluated: 2021-12-09. Review status: criteria provided, single submitter. Criteria: LabCorp Variant Classification Summary - May 2015. Collection method: clinical testing. Allele origin: germline.
Comment: Variant summary: TSEN2 c.1369C>T (p.Arg457X) located in the last exon (exon 12) results in a premature termination codon, predicted to cause a truncation of the encoded protein or absence of the protein due to nonsense mediated decay, which are commonly known mechanisms for disease. Truncations downstream of this position have not been classified as pathogenic by our laboratory and have not been reported in the HGMD database. The variant allele was found at a frequency of 4.8e-05 in 251378 control chromosomes. This frequency is not significantly higher than expected for a pathogenic variant in TSEN2 causing Pontocerebellar Hypoplasia, Type 2B (4.8e-05 vs 0.0011), allowing no conclusion about variant significance. To our knowledge, no occurrence of c.1369C>T in individuals affected with Pontocerebellar Hypoplasia, Type 2B and no experimental evidence demonstrating its impact on protein function have been reported. No clinical diagnostic laboratories have submitted clinical-significance assessments for this variant to ClinVar after 2014. Based on the evidence outlined above, the variant was classified as uncertain significance.